The following is an entry in ClinVar:

NM_001848.3(COL6A1):c.2506G>A (p.Gly836Ser)

Gene: COL6A1 (collagen type VI alpha 1 chain; plus strand). Cytogenetic location: 21q22.3.
Variant type: single nucleotide variant.
Coding change: c.2506G>A on transcript NM_001848.3 (MANE Select); coding-DNA position 2506, G replaced by A.
Protein change: p.Gly836Ser; replaces glycine 836 with serine.
Molecular consequence: missense variant.
Genome position (GRCh38, 1-based): chr21:46,003,432, G>A. VCF-style: chr21-46003432-G-A. GRCh37 (hg19) VCF-style: chr21-47423346-G-A.
Other names: short protein forms G836S.
Identifiers: ClinVar variation 3668671 (VCV003668671.2).

ClinVar aggregate classification (germline): Uncertain significance (1 of 4 stars; one submission).

Conditions:
Bethlem myopathy 1A. Also called: MYOPATHY, BENIGN CONGENITAL, WITH CONTRACTURES; Bethlem myopathy 1; Bethlem Muscular Dystrophy. Identifiers: Orphanet 610, MedGen CN029274, MONDO:0024530, OMIM 158810.

Submission:

Labcorp Genetics (formerly Invitae), Labcorp
Classification: Uncertain significance for Bethlem myopathy 1A. Last evaluated: 2025-06-11. Review status: criteria provided, single submitter. Criteria: Invitae Variant Classification Sherloc (09022015). Collection method: clinical testing. Allele origin: germline.
Comment: This sequence change replaces glycine, which is neutral and non-polar, with serine, which is neutral and polar, at codon 836 of the COL6A1 protein (p.Gly836Ser). This variant is not present in population databases (gnomAD no frequency). This variant has not been reported in the literature in individuals affected with COL6A1-related conditions. ClinVar contains an entry for this variant (Variation ID: 3668671). Invitae Evidence Modeling of protein sequence and biophysical properties (such as structural, functional, and spatial information, amino acid conservation, physicochemical variation, residue mobility, and thermodynamic stability) indicates that this missense variant is not expected to disrupt COL6A1 protein function with a negative predictive value of 80%. In summary, the available evidence is currently insufficient to determine the role of this variant in disease. Therefore, it has been classified as a Variant of Uncertain Significance.